The following is an entry in ClinVar:

ClinVar aggregate classification (germline): Uncertain significance (1 of 4 stars; one submission).

Conditions:
Nemaline myopathy 8 (NEM8). Also called: Nemaline myopathy 8, autosomal recessive. Identifiers: Orphanet 171430, MedGen C3809209, MONDO:0014138, OMIM 615348.

Allele frequency attached by ClinVar (database versions not stated): gnomAD exomes below 0.00001.
gnomAD v4.1: 2 of 1,609,040 alleles (0.00012%); highest among the groups gnomAD compares: Non-Finnish European, 0.00017%; no homozygotes.

Submission:

Labcorp Genetics (formerly Invitae), Labcorp
Classification: Uncertain significance for Nemaline myopathy 8. Last evaluated: 2022-05-05. Review status: criteria provided, single submitter. Criteria: Invitae Variant Classification Sherloc (09022015). Collection method: clinical testing. Allele origin: germline.
Comment: In summary, the available evidence is currently insufficient to determine the role of this variant in disease. Therefore, it has been classified as a Variant of Uncertain Significance. Algorithms developed to predict the effect of missense changes on protein structure and function output the following: SIFT: "Tolerated"; PolyPhen-2: "Benign"; Align-GVGD: "Class C0". The arginine amino acid residue is found in multiple mammalian species, which suggests that this missense change does not adversely affect protein function. This variant has not been reported in the literature in individuals affected with KLHL40-related conditions. This variant is not present in population databases (gnomAD no frequency). This sequence change replaces lysine, which is basic and polar, with arginine, which is basic and polar, at codon 536 of the KLHL40 protein (p.Lys536Arg).

NM_152393.4(KLHL40):c.1607A>G (p.Lys536Arg)

Gene: KLHL40 (kelch like family member 40; plus strand). Cytogenetic location: 3p22.1.
Variant type: single nucleotide variant.
Coding change: c.1607A>G on transcript NM_152393.4 (MANE Select); coding-DNA position 1607, A replaced by G.
Protein change: p.Lys536Arg; replaces lysine 536 with arginine.
Molecular consequence: missense variant.
Genome position (GRCh38, 1-based): chr3:42,689,054, A>G. VCF-style: chr3-42689054-A-G. GRCh37 (hg19) VCF-style: chr3-42730546-A-G.
Other names: short protein forms K536R.
Identifiers: ClinVar variation 1966565 (VCV001966565.5), dbSNP rs772272126, ClinGen allele CA74195254.